The following is an entry in ClinVar:

NM_001165963.4(SCN1A):c.4284+1G>T

Genes: SCN1A (sodium voltage-gated channel alpha subunit 1; minus strand), LOC102724058 (uncharacterized LOC102724058; plus strand). Cytogenetic location: 2q24.3.
Variant type: single nucleotide variant.
Coding change: c.4284+1G>T on transcript NM_001165963.4 (MANE Select); the canonical splice donor site of the intron after coding-DNA position 4284, G replaced by T.
Molecular consequence: splice donor variant.
Genome position (GRCh38, 1-based): chr2:166,002,471, C>A on the plus strand (G>T on the coding strand, the complement: SCN1A is on the minus strand). VCF-style: chr2-166002471-C-A. GRCh37 (hg19) VCF-style: chr2-166858981-C-A.
Other names: c.4251+1G>T (NM_001353949.2, NM_001353950.2, NM_001353951.2 and 2 more transcripts); c.4200+1G>T (NM_001353958.2, NM_001353957.2, NM_001165964.3); c.4284+1G>T (NM_001202435.3, NM_001353948.2); c.4248+1G>T (NM_001353955.2, NM_001353954.2); c.4197+1G>T (NM_001353960.2); c.1842+1G>T (NM_001353961.2).
Identifiers: ClinVar variation 530534 (VCV000530534.10), dbSNP rs1553524865, ClinGen allele CA349049860.

ClinVar aggregate classification (germline): Pathogenic (1 of 4 stars; one submission).

Conditions:
Early-infantile DEE. Also called: Early infantile epileptic encephalopathy; Early infantile epileptic encephalopathy with suppression bursts; Ohtahara syndrome. Identifiers: Orphanet 1934, MedGen C0393706, MONDO:0800491.

Submission:

Labcorp Genetics (formerly Invitae), Labcorp
Classification: Pathogenic for Early-infantile DEE. Last evaluated: 2024-11-03. Review status: criteria provided, single submitter. Criteria: Invitae Variant Classification Sherloc (09022015). Collection method: clinical testing. Allele origin: germline.
Comment: This sequence change affects a donor splice site in intron 21 of the SCN1A gene. It is expected to disrupt RNA splicing. Variants that disrupt the donor or acceptor splice site typically lead to a loss of protein function (PMID: 16199547), and loss-of-function variants in SCN1A are known to be pathogenic (PMID: 17347258, 18930999). This variant is not present in population databases (gnomAD no frequency). Disruption of this splice site has been observed in individual(s) with classic Dravet syndrome (PMID: 21248271). In at least one individual the variant was observed to be de novo. ClinVar contains an entry for this variant (Variation ID: 530534). Algorithms developed to predict the effect of sequence changes on RNA splicing suggest that this variant may disrupt the consensus splice site. For these reasons, this variant has been classified as Pathogenic.

Literature cited by the submitters: PubMed 16199547; PubMed 17347258; PubMed 18930999; PubMed 21248271.